The following is an entry in ClinVar:

ClinVar aggregate classification (germline): Uncertain significance (1 of 4 stars; one submission).

Conditions:
Inborn genetic diseases. Identifiers: MedGen C0950123, MeSH D030342.

Submission:

Ambry Genetics
Classification: Uncertain significance for Inborn genetic diseases. Last evaluated: 2025-04-24. Review status: criteria provided, single submitter. Criteria: Ambry Variant Classification Scheme 2023. Collection method: clinical testing. Allele origin: germline.
Comment: The p.H283D variant (also known as c.847C>G), located in coding exon 5 of the ETV6 gene, results from a C to G substitution at nucleotide position 847. The histidine at codon 283 is replaced by aspartic acid, an amino acid with similar properties. This amino acid position is conserved. In addition, the in silico prediction for this alteration is inconclusive. Based on the available evidence, the clinical significance of this variant remains unclear.

NM_001987.5(ETV6):c.847C>G (p.His283Asp)

Gene: ETV6 (ETS variant transcription factor 6; plus strand). Cytogenetic location: 12p13.2.
Variant type: single nucleotide variant.
Coding change: c.847C>G on transcript NM_001987.5 (MANE Select); coding-DNA position 847, C replaced by G.
Protein change: p.His283Asp; replaces histidine 283 with aspartic acid.
Molecular consequence: missense variant.
Genome position (GRCh38, 1-based): chr12:11,869,807, C>G. VCF-style: chr12-11869807-C-G. GRCh37 (hg19) VCF-style: chr12-12022741-C-G.
Other names: c.844C>G, p.His282Asp (NM_001413913.1); c.820C>G, p.His274Asp (NM_001413914.1); c.583C>G, p.His195Asp (NM_001413915.1); c.847C>G, p.His283Asp (NM_001413916.1, NM_001413917.1); short protein forms H274D, H195D, H283D, H282D.
Identifiers: ClinVar variation 4020081 (VCV004020081.1).